The following is an entry in ClinVar:

NM_000492.4(CFTR):c.1646G>A (p.Ser549Asn)

Genes: CFTR (CF transmembrane conductance regulator; plus strand), LOC111674475 (CFTR intron 11 enhancer; plus strand). Cytogenetic location: 7q31.2.
Variant type: single nucleotide variant.
Coding change: c.1646G>A on transcript NM_000492.4 (MANE Select); coding-DNA position 1646, G replaced by A.
Protein change: p.Ser549Asn; replaces serine 549 with asparagine.
Molecular consequence: missense variant.
Genome position (GRCh38, 1-based): chr7:117,587,800, G>A. VCF-style: chr7-117587800-G-A. GRCh37 (hg19) VCF-style: chr7-117227854-G-A.
Other names: short protein forms S549N.
Identifiers: ClinVar variation 7116 (VCV000007116.140), dbSNP rs121908755, ClinGen allele CA325521.
Genomic context (GRCh38, chr7:117,587,800, plus strand): 5'-ACATCTCCAAGTTTGCAGAGAAAGACAATATAGTTCTTGGAGAAGGTGGAATCACACTGA[G>A]TGGAGGTCAACGAGCAAGAATTTCTTTAGCAAGGTGAATAACTAATTATTGGTCTAGCAA-3'
Protein context (NP_000483.3, residues 539-559): IVLGEGGITL[Ser549Asn]GGQRARISLA

ClinVar aggregate classification (germline): Pathogenic; drug response. Review status: reviewed by expert panel (3 of 4 stars). 28 submissions from 26 submitters: Pathogenic (1). 26 of the submissions do not count toward it. Last evaluated 2021-03-24.

Conditions:
Cholestasis. Identifiers: MedGen C0008370, MONDO:0001751, HP:0001396.
CFTR-related disorder (CFTR-RD). Also called: CFTR-related condition; CFTR-related disorders. Identifiers: MedGen C5924204, MONDO:7770004.
Congenital bilateral aplasia of vas deferens from CFTR mutation (CBAVD). Identifiers: Orphanet 48, MedGen C0403814, MONDO:0010178, OMIM 277180. Disease mechanism: loss of function.
Cystic fibrosis (CF). Also called: MUCOVISCIDOSIS. Identifiers: Orphanet 586, MedGen C0010674, MONDO:0009061, OMIM 219700. Disease mechanism: loss of function.
Hereditary pancreatitis (PCTT). Also called: PRSS1-Related Hereditary Pancreatitis; Hereditary chronic pancreatitis. Identifiers: Orphanet 676, MedGen C0238339, MONDO:0008185, OMIM 167800.
Bronchiectasis with or without elevated sweat chloride 1 (BESC1). Also called: Cystic Fibrosis-Like Syndrome. Identifiers: Orphanet 60033, MedGen C2749757, MONDO:0008887, OMIM 211400.
ivacaftor response - Efficacy. Identifiers: MedGen CN322735.

Allele frequency attached by ClinVar (database versions not stated): gnomAD exomes 0.00004 and 0.00009; 1000 Genomes Project 0.00020; gnomAD 0.00006 and 0.00007; TOPMed 0.00007; ExAC 0.00011; 1000 Genomes Project 30x 0.00031.
gnomAD v4.1: 64 of 1,611,174 alleles (0.004%); highest among the groups gnomAD compares: South Asian, 0.022%; no homozygotes.

Submissions 1 to 10 of 28:

ClinPGx
Classification: drug response for ivacaftor response - Efficacy. Last evaluated: 2021-03-24. Review status: reviewed by expert panel. Criteria: Pharmacogenomics knowledge for personalized medicine. Collection method: curation. Allele origin: germline. Affected: yes.
Comment: PharmGKB Level of Evidence 1A: Level 1A clinical annotations describe variant-drug combinations that have variant-specific prescribing guidance available in a current clinical guideline annotation or an FDA-approved drug label annotation. Annotations of drug labels or clinical guidelines must give prescribing guidance for specific variants (e.g. CYP2C9*3, HLA-B*57:01) or provide mapping from defined allele functions to diplotypes and phenotypes to be used as supporting evidence for a level 1A clinical annotation. Level 1A clinical annotations must also be supported by at least one publication in addition to a clinical guideline or drug label with variant-specific prescribing guidance.

Drug is not necessarily used to treat response condition

CFTR2
Classification: Pathogenic for Cystic fibrosis. Last evaluated: 2017-03-17. Review status: reviewed by expert panel. Criteria: Sosnay PR et al. (Nat Genet 2013). Collection method: research. Allele origin: germline. Affected: yes. Study: CFTR2.

PreventionGenetics, part of Exact Sciences
Classification: Pathogenic for CFTR-related condition. Last evaluated: 2026-06-30. Review status: criteria provided, single submitter. Criteria: ACMG Guidelines, 2015. Collection method: clinical testing. Allele origin: germline. Not counted in ClinVar's aggregate classification.
Comment: The CFTR c.1646G>A variant is predicted to result in the amino acid substitution p.Ser549Asn. This variant has previously been reported to be causative for cystic fibrosis (see, for example, Cutting et al. 1990. PubMed ID: 1695717; Hamosh et al. 1991. PubMed ID: 1721624; Brancolini et al. 1995. PubMed ID: 7544319; Watson et al. 2004. PubMed ID: 15371902; supplementary data, Sosnay et al. 2013. PubMed ID: 23974870; De Boeck et al. 2014. PubMed ID: 24440181; Sutanto et al. 2018. PubMed ID: 29360847). This variant has also been reported in at least two patients with pancreatitis (Ooi et al. 2012. PubMed ID: 22658665). This variant is reported in 0.039% of alleles in individuals of South Asian descent in gnomAD. This variant is interpreted as pathogenic.

CeGaT Center for Human Genetics Tuebingen
Classification: Pathogenic. Last evaluated: 2026-03-01. Review status: criteria provided, single submitter. Criteria: CeGaT Center For Human Genetics Tuebingen Variant Classification Criteria Version 2. Collection method: clinical testing. Allele origin: germline. Affected: yes. Observed: 1 variant allele. Not counted in ClinVar's aggregate classification.
Comment: CFTR: PM3:Very Strong, PM1, PM5, PS3:Supporting

Labcorp Genetics (formerly Invitae), Labcorp
Classification: Pathogenic for Cystic fibrosis. Last evaluated: 2025-12-23. Review status: criteria provided, single submitter. Criteria: Invitae Variant Classification Sherloc (09022015). Collection method: clinical testing. Allele origin: germline. Not counted in ClinVar's aggregate classification.
Comment: This sequence change replaces serine, which is neutral and polar, with asparagine, which is neutral and polar, at codon 549 of the CFTR protein (p.Ser549Asn). This variant is present in population databases (rs121908755, gnomAD 0.04%). This missense change has been observed in individual(s) with cystic fibrosis or congenital absence of the vas deferens (PMID: 1695717, 1721624, 7544319, 22658665, 23974870, 24440181, 25042876, 29360847). In at least one individual the data is consistent with being in trans (on the opposite chromosome) from a pathogenic variant. This variant is also known as c.1778G>A. ClinVar contains an entry for this variant (Variation ID: 7116). Invitae Evidence Modeling of protein sequence and biophysical properties (such as structural, functional, and spatial information, amino acid conservation, physicochemical variation, residue mobility, and thermodynamic stability) indicates that this missense variant is expected to disrupt CFTR protein function with a positive predictive value of 80%. Experimental studies have shown that this missense change affects CFTR function (PMID: 22293084, 23974870, 25042876). This variant disrupts the p.Ser549 amino acid residue in CFTR. Other variant(s) that disrupt this residue have been determined to be pathogenic (internal data). This suggests that this residue is clinically significant, and that variants that disrupt this residue are likely to be disease-causing. For these reasons, this variant has been classified as Pathogenic.

Victorian Clinical Genetics Services, Murdoch Childrens Research Institute
Classification: Pathogenic for Cystic fibrosis. Last evaluated: 2025-11-27. Review status: criteria provided, single submitter. Criteria: ACMG Guidelines, 2015. Collection method: clinical testing. Allele origin: germline. Affected: no. Not counted in ClinVar's aggregate classification.
Comment: This variant is classified as Pathogenic. Evidence in support of pathogenic classification: Variant is present in gnomAD <0.01 for a recessive condition (v4: 64 heterozygote(s), 0 homozygote(s)); This variant has strong previous evidence of pathogenicity in unrelated individuals. This variant has been classified as pathogenic by the CFTR2 expert panel for classic cystic fibrosis (ClinVar); Missense variant predicted to be damaging by in silico tool(s) or highly conserved with a major amino acid change. Additional information: Variant is predicted to result in a missense amino acid change from Ser to Asn; This variant is heterozygous; This gene is associated with autosomal recessive disease; Alternative amino acid change(s) at the same position are present in gnomAD (highest allele count: v4: 13 heterozygote(s), 0 homozygote(s)); Variant is located in the annotated ABC transporter domain (DECIPHER); Loss of function is a known mechanism of disease in this gene and is associated with cystic fibrosis (MIM#219700); Inheritance information for this variant is not currently available in this individual.

Mayo Clinic Laboratories, Mayo Clinic
Classification: Pathogenic. Last evaluated: 2025-10-22. Review status: criteria provided, single submitter. Criteria: ACMG Guidelines, 2015. Collection method: clinical testing. Allele origin: germline. Observed: 2 variant alleles. Not counted in ClinVar's aggregate classification.

Natera, Inc.
Classification: Pathogenic for CFTR-related disorders. Last evaluated: 2025-08-04. Review status: criteria provided, single submitter. Criteria: Natera Variant Classification Schema (03/2026). Collection method: clinical testing. Allele origin: germline. Not counted in ClinVar's aggregate classification.
Comment: The c.1646G>A variant in CFTR is a missense variant predicted to cause substitution of serine to asparagine at amino acid 549. This variant is rare in the general population with a frequency below the threshold expected for the associated phenotype(s). This variant has been observed in one or more individuals affected with the associated recessive disease, as either homozygous or compound heterozygous with a second variant (PMID: 30888834, 30134826). Given the available evidence, this variant is classified as Pathogenic.

Ambry Genetics
Classification: Pathogenic for Cystic fibrosis. Last evaluated: 2025-05-03. Review status: criteria provided, single submitter. Criteria: Ambry Variant Classification Scheme 2023. Collection method: clinical testing. Allele origin: germline. Not counted in ClinVar's aggregate classification.
Comment: The p.S549N pathogenic mutation (also known as c.1646G>A), located in coding exon 12 of the CFTR gene, results from a G to A substitution at nucleotide position 1646. The serine at codon 549 is replaced by asparagine, an amino acid with highly similar properties. This mutation was identified in a homozygous individual with an elevated sweat chloride level, growth failure, reduced lung function, and Psuedomonas aeruginosa colonization (Curtis A et al. J. Med. Genet., 1993 Feb;30:164-6). This mutation is associated with elevated sweat chloride levels and pancreatic insufficiency; in addition, a functional study found this mutation resulted in significantly decreased rates of chloride conductance compared to wild type (Sosnay PR et al. Nat Genet. 2013; 45(10):1160-7). Based on the supporting evidence, this alteration is interpreted as a disease-causing mutation.

Institute Of Liver Studies, NHS South East Genomic Laboratory Hub
Classification: Pathogenic for Cholestasis. Last evaluated: 2025-04-23. Review status: criteria provided, single submitter. Criteria: ACGS Best Practice Guidelines for Variant Classification in Rare Disease 2020. Collection method: clinical testing. Allele origin: germline. Affected: yes. Not counted in ClinVar's aggregate classification.